The following is an entry in ClinVar:

NM_032638.5(GATA2):c.190_191delinsTT (p.Ala64Phe)

Gene: GATA2 (GATA binding protein 2; minus strand). Cytogenetic location: 3q21.3.
Variant type: Indel.
Coding change: c.190_191delinsTT on transcript NM_032638.5 (MANE Select); coding-DNA positions 190 to 191, GC replaced by TT.
Protein change: p.Ala64Phe; replaces alanine 64 with phenylalanine.
Molecular consequence: missense variant.
Genome position (GRCh38, 1-based): chr3:128,486,841-128,486,842, GC replaced by AA on the plus strand (GC replaced by TT on the coding strand, the reverse complement: GATA2 is on the minus strand). VCF-style: chr3-128486841-GC-AA. GRCh37 (hg19) VCF-style: chr3-128205684-GC-AA.
Other names: c.190_191delinsTT, p.Ala64Phe (NM_001145661.2, NM_001145662.1); short protein forms A64F.
Identifiers: ClinVar variation 5022229 (VCV005022229.1).
Genomic context (GRCh38, chr3:128,486,841, plus strand): 5'-TCACCACGGGCCCAGTGCTCACCGTGCGCGGGGCTGTAGGAGACGCGCGCCCGCGCGTGA[GC>AA]GGGGTTGGCATAGTAGGGGTTGCCCTGCGAGTCGAGGTGATTGAAGAAGACGTCCACCTC-3'
Protein context (NP_116027.2, residues 54-74): SQGNPYYANP[Ala64Phe]HARARVSYSP

ClinVar aggregate classification (germline): Uncertain significance (1 of 4 stars; one submission).

Conditions:
Inborn genetic diseases. Identifiers: MedGen C0950123, MeSH D030342.

Submission:

Ambry Genetics
Classification: Uncertain significance for Inborn genetic diseases. Last evaluated: 2026-09-14. Review status: criteria provided, single submitter. Criteria: Ambry Variant Classification Scheme 2023. Collection method: clinical testing. Allele origin: germline.
Comment: The c.190_191delGCinsTT variant (also known as p.A64F), located in coding exon 1 of the GATA2 gene, results from an in-frame deletion of GC and insertion of TT at nucleotide positions 190 to 191. This results in the substitution of the alanine residue for a phenylalanine residue at codon 64, an amino acid with dissimilar properties. This amino acid position is highly conserved in available vertebrate species. In addition, this variant is predicted to be neutral by in silico analysis (Choi Y et al. PLoS ONE. 2012; 7(10):e46688). Based on the available evidence, the clinical significance of this variant remains unclear.